The following is an entry in ClinVar:

ClinVar aggregate classification (germline): Pathogenic. Review status: reviewed by expert panel (3 of 4 stars). 3 submissions from 3 submitters: Pathogenic (1). 2 of the submissions do not count toward it. Last evaluated 2017-12-15.

Conditions:
Hereditary breast ovarian cancer syndrome. Also called: Hereditary breast and ovarian cancer syndrome (HBOC); Hereditary breast and ovarian cancer syndrome; Hereditary breast and ovarian cancer; Hereditary breast and/or ovarian cancer syndrome; Breast and ovarian cancer; BRCA1- and BRCA2-Associated Hereditary Breast and Ovarian Cancer. Identifiers: Orphanet 145, MedGen C0677776, MeSH D061325, MONDO:0003582. Disease mechanism: loss of function.
Breast-ovarian cancer, familial, susceptibility to, 1 (BROVCA1). Also called: OVARIAN CANCER, SUSCEPTIBILITY TO; BRCA1 Hereditary Breast and Ovarian Cancer. Identifiers: Orphanet 145, MedGen C2676676, MONDO:0011450, OMIM 604370. Disease mechanism: loss of function.
Familial cancer of breast. Also called: Hereditary breast cancer; hereditary breast carcinoma; BREAST CANCER, FAMILIAL. Identifiers: Orphanet 227535, MedGen C0346153, MONDO:0016419, OMIM 114480. Disease mechanism: loss of function.

Submissions (3):

Evidence-based Network for the Interpretation of Germline Mutant Alleles (ENIGMA)
Classification: Pathogenic for Breast-ovarian cancer, familial, susceptibility to, 1. Last evaluated: 2017-12-15. Review status: reviewed by expert panel. Criteria: ENIGMA BRCA1/2 Classification Criteria (2017-06-29). Collection method: curation. Allele origin: germline. Study: ENIGMA.
Comment: Variant allele predicted to encode a truncated non-functional protein.

Labcorp Genetics (formerly Invitae), Labcorp
Classification: Pathogenic for Hereditary breast ovarian cancer syndrome. Last evaluated: 2024-01-24. Review status: criteria provided, single submitter. Criteria: Invitae Variant Classification Sherloc (09022015). Collection method: clinical testing. Allele origin: germline. Not counted in ClinVar's aggregate classification.
Comment: This sequence change creates a premature translational stop signal (p.Ser1057Leufs*4) in the BRCA1 gene. It is expected to result in an absent or disrupted protein product. Loss-of-function variants in BRCA1 are known to be pathogenic (PMID: 20104584). This variant is not present in population databases (gnomAD no frequency). This premature translational stop signal has been observed in individual(s) with breast cancer (PMID: 22486713, 35710434). ClinVar contains an entry for this variant (Variation ID: 54788). For these reasons, this variant has been classified as Pathogenic.

ClinVar Staff, National Center for Biotechnology Information (NCBI)
No classification provided. Condition: Familial cancer of breast. Review status: no classification provided. Collection method: literature only. Allele origin: germline. Affected: yes. Not counted in ClinVar's aggregate classification.

Literature cited by the submitters: PubMed 20104584 (cited by Labcorp Genetics (formerly Invitae), Labcorp); PubMed 22486713 (cited by Labcorp Genetics (formerly Invitae), Labcorp and ClinVar Staff, National Center for Biotechnology Information (NCBI)); PubMed 35710434 (cited by Labcorp Genetics (formerly Invitae), Labcorp).

NM_007294.4(BRCA1):c.3169_3172del (p.Ser1057fs)

Gene: BRCA1 (BRCA1 DNA repair associated; minus strand). Cytogenetic location: 17q21.31.
Variant type: Deletion.
Coding change: c.3169_3172del on transcript NM_007294.4 (MANE Select); coding-DNA positions 3169 to 3172, 4 bases deleted (AGTA; older notation c.3169_3172delAGTA).
Protein change: p.Ser1057fs; shifts the reading frame from serine 1057.
Molecular consequence: frameshift variant. On other transcripts: intron variant (137).
Genome position (GRCh38, 1-based): chr17:43,092,359-43,092,362, TACT deleted on the plus strand (AGTA on the coding strand, the reverse complement: BRCA1 is on the minus strand). VCF-style (leftmost placement, unchanged base first): chr17-43092358-ATACT-A. GRCh37 (hg19) VCF-style: chr17-41244375-ATACT-A.
Other names: c.2788_2791del, p.Ser930fs (NM_001407959.1, NM_001407960.1, NM_001407963.1); c.2785_2788del, p.Ser929fs (NM_001407962.1); c.3025_3028del, p.Ser1009fs (NM_001407964.1, NM_001407740.1, NM_001407741.1 and 20 more transcripts); c.2665_2668del, p.Ser889fs (NM_001407965.1); c.2281_2284del, p.Ser761fs (NM_001407966.1, NM_001407967.1); c.3028_3031del, p.Ser1010fs (NM_007297.4, NM_001407692.1, NM_001407694.1 and 29 more transcripts); c.3169_3172del, p.Ser1057fs (NM_007300.4, NM_001407581.1, NM_001407582.1 and 30 more transcripts); c.647-1330_647-1327del (NM_001408458.1, NM_001408469.1, NM_001408453.1 and 11 more transcripts); and 41 more; short protein forms S1010fs, S1057fs, S1054fs, S1056fs, S945fs, S969fs, S987fs, S1015fs.
Identifiers: ClinVar variation 54788 (VCV000054788.6), dbSNP rs397509045, ClinGen allele CA002064.